The following is an entry in ClinVar:

ClinVar aggregate classification (germline): Likely benign (0 of 4 stars; one submission).

Conditions:
MC4R-related disorder. Also called: MC4R-related condition.

Submission:

PreventionGenetics, part of Exact Sciences
Classification: Likely benign for MC4R-related condition. Last evaluated: 2021-09-26. Review status: no assertion criteria provided. Collection method: clinical testing. Allele origin: germline.
Comment: This variant is classified as likely benign based on ACMG/AMP sequence variant interpretation guidelines (Richards et al. 2015 PMID: 25741868, with internal and published modifications).

NM_005912.3(MC4R):c.594C>A (p.Ile198=)

Gene: MC4R (melanocortin 4 receptor; minus strand). Cytogenetic location: 18q21.32.
Variant type: single nucleotide variant.
Coding change: c.594C>A on transcript NM_005912.3 (MANE Select); coding-DNA position 594, C replaced by A.
Protein change: p.Ile198=; no amino-acid change (isoleucine 198 retained).
Molecular consequence: synonymous variant.
Genome position (GRCh38, 1-based): chr18:60,371,756, G>T on the plus strand (C>A on the coding strand, the complement: MC4R is on the minus strand). VCF-style: chr18-60371756-G-T. GRCh37 (hg19) VCF-style: chr18-58038989-G-T.
Identifiers: ClinVar variation 3351639 (VCV003351639.1).
Genomic context (GRCh38, chr18:60,371,756, plus strand): 5'-CATCAGGAACATGTGGACATAGAGAGAAGCCATGAGAGCCAGCATGGTGAAGAACATGGT[G>T]ATGAGGCAGATGATGACAGCACTACTATCTGAGTAAATGATGAACAAAATGCCTGAAACC-3'
Protein context (NP_005903.2, residues 188-208): SDSSAVIICL[Ile198=]TMFFTMLALM